The following is an entry in ClinVar:

NM_024312.5(GNPTAB):c.1965del (p.Pro655_Ile656insTer)

Gene: GNPTAB (N-acetylglucosamine-1-phosphate transferase subunits alpha and beta; minus strand). Cytogenetic location: 12q23.2.
Variant type: Deletion.
Coding change: c.1965del on transcript NM_024312.5 (MANE Select); coding-DNA position 1965, one base deleted (C; older notation c.1965delC).
Protein change: p.Pro655_Ile656insTer.
Molecular consequence: frameshift variant.
Genome position (GRCh38, 1-based): chr12:101,764,952, G deleted on the plus strand (C on the coding strand, the reverse complement: GNPTAB is on the minus strand); the first of 3 consecutive G bases (chr12:101,764,952-101,764,954); deleting any one gives the same sequence. VCF-style (leftmost placement, unchanged base first): chr12-101764951-TG-T. GRCh37 (hg19) VCF-style: chr12-102158729-TG-T.
Identifiers: ClinVar variation 39042 (VCV000039042.6), dbSNP rs281864984, ClinGen allele CA343361.

ClinVar aggregate classification (germline): Pathogenic. Review status: criteria provided, single submitter (1 of 4 stars). 2 submissions from 2 submitters: Pathogenic (1). 1 of the submissions does not count toward it. Last evaluated 2023-03-21.

Conditions:
Mucolipidosis type II. Also called: Mucolipidosis 2; ML 2; Inclusion cell disease; Leroy Disease; N-acetylglucosamine 1phosphotransferase deficiency; ML disorder type 2. Identifiers: Orphanet 576, MedGen C2673377, MONDO:0009650, OMIM 252500.
Pseudo-Hurler polydystrophy. Also called: Type III Mucolipidosis; ML IIIA; Mucolipidosis III Alpha/Beta; MUCOLIPIDOSIS IIIA; ML III; ML III ALPHA/BETA. Identifiers: Orphanet 423461, Orphanet 577, MedGen C0033788, MONDO:0018931, OMIM 252600.

Submissions (2):

Labcorp Genetics (formerly Invitae), Labcorp
Classification: Pathogenic for Pseudo-Hurler polydystrophy; Mucolipidosis type II. Last evaluated: 2023-03-21. Review status: criteria provided, single submitter. Criteria: Invitae Variant Classification Sherloc (09022015). Collection method: clinical testing. Allele origin: germline.
Comment: For these reasons, this variant has been classified as Pathogenic. ClinVar contains an entry for this variant (Variation ID: 39042). This premature translational stop signal has been observed in individuals with mucolipidosis type II alpha/beta (PMID: 19634183). This variant is not present in population databases (gnomAD no frequency). This sequence change creates a premature translational stop signal (p.Ile656*) in the GNPTAB gene. It is expected to result in an absent or disrupted protein product. Loss-of-function variants in GNPTAB are known to be pathogenic (PMID: 19617216, 25107912).

GeneReviews
No classification provided. Condition: Mucolipidosis type II. Review status: no classification provided. Collection method: literature only. Allele origin: unknown. Not counted in ClinVar's aggregate classification.

Literature cited by the submitters: PubMed 19634183 (cited by Labcorp Genetics (formerly Invitae), Labcorp and GeneReviews); PubMed 19617216 (cited by Labcorp Genetics (formerly Invitae), Labcorp); PubMed 25107912 (cited by Labcorp Genetics (formerly Invitae), Labcorp); PubMed 20301728 (cited by GeneReviews); NCBI Bookshelf NBK1828 (cited by GeneReviews).